The following is an entry in ClinVar:

ClinVar aggregate classification (germline): Uncertain significance (1 of 4 stars; one submission).

Conditions:
Inborn genetic diseases. Identifiers: MedGen C0950123, MeSH D030342.

Submission:

Ambry Genetics
Classification: Uncertain significance for Inborn genetic diseases. Last evaluated: 2026-06-24. Review status: criteria provided, single submitter. Criteria: Ambry Variant Classification Scheme 2023. Collection method: clinical testing. Allele origin: germline.
Comment: The p.K382N variant (also known as c.1146G>C), located in coding exon 6 of the ERCC6L2 gene, results from a G to C substitution at nucleotide position 1146. The lysine at codon 382 is replaced by asparagine, an amino acid with similar properties. This amino acid position is conserved. In addition, this alteration is predicted to be tolerated by in silico analysis. Based on the available evidence, the clinical significance of this variant remains unclear.

NM_020207.7(ERCC6L2):c.1146G>C (p.Lys382Asn)

Gene: ERCC6L2 (ERCC excision repair 6 like 2; plus strand). Cytogenetic location: 9q22.32.
Variant type: single nucleotide variant.
Coding change: c.1146G>C on transcript NM_020207.7 (MANE Select); coding-DNA position 1146, G replaced by C.
Protein change: p.Lys382Asn; replaces lysine 382 with asparagine.
Molecular consequence: missense variant. On other transcripts: non-coding transcript variant (1).
Genome position (GRCh38, 1-based): chr9:95,916,422, G>C. VCF-style: chr9-95916422-G-C. GRCh37 (hg19) VCF-style: chr9-98678704-G-C.
Other names: c.1146G>C, p.Lys382Asn (NM_001010895.4, NM_001375291.1, NM_001375292.1 and 2 more transcripts); short protein forms K382N.
Identifiers: ClinVar variation 5036072 (VCV005036072.1).